The following is an entry in ClinVar:

ClinVar aggregate classification (germline): Uncertain significance. Review status: criteria provided, multiple submitters, no conflicts (2 of 4 stars). 3 submissions from 3 submitters: Uncertain significance (3). Last evaluated 2025-05-26.

Conditions:
Hereditary spastic paraplegia. Also called: Familial spastic paraparesis. Identifiers: Orphanet 685, MedGen C0037773, MONDO:0019064. Disease mechanism: loss of function.
Inborn genetic diseases. Identifiers: MedGen C0950123, MeSH D030342.
Spastic paraplegia. Identifiers: MedGen C0037772, HP:0001258.

Allele frequency attached by ClinVar (database versions not stated): ExAC 0.00002; gnomAD 0.00005 and 0.00006; TOPMed 0.00005; gnomAD exomes 0.00018.
gnomAD v4.1: 259 of 1,614,008 alleles (0.016%); highest among the groups gnomAD compares: Non-Finnish European, 0.021%; no homozygotes.

Submissions (3):

Ambry Genetics
Classification: Uncertain significance for Inborn genetic diseases. Last evaluated: 2025-05-26. Review status: criteria provided, single submitter. Criteria: Ambry Variant Classification Scheme 2023. Collection method: clinical testing. Allele origin: germline.

Labcorp Genetics (formerly Invitae), Labcorp
Classification: Uncertain significance for Spastic paraplegia. Last evaluated: 2023-12-12. Review status: criteria provided, single submitter. Criteria: Invitae Variant Classification Sherloc (09022015). Collection method: clinical testing. Allele origin: germline.
Comment: This sequence change replaces glutamic acid, which is acidic and polar, with glutamine, which is neutral and polar, at codon 327 of the CYP2U1 protein (p.Glu327Gln). This variant is present in population databases (rs767970725, gnomAD 0.008%). This variant has not been reported in the literature in individuals affected with CYP2U1-related conditions. ClinVar contains an entry for this variant (Variation ID: 971906). Advanced modeling of protein sequence and biophysical properties (such as structural, functional, and spatial information, amino acid conservation, physicochemical variation, residue mobility, and thermodynamic stability) performed at Invitae indicates that this missense variant is not expected to disrupt CYP2U1 protein function with a negative predictive value of 95%. In summary, the available evidence is currently insufficient to determine the role of this variant in disease. Therefore, it has been classified as a Variant of Uncertain Significance.

Genome Diagnostics Laboratory, The Hospital for Sick Children
Classification: Uncertain significance for Hereditary spastic paraplegia. Last evaluated: 2018-04-17. Review status: criteria provided, single submitter. Criteria: ACMG Guidelines, 2015. Collection method: clinical testing. Allele origin: germline. Affected: yes.

NM_183075.3(CYP2U1):c.979G>C (p.Glu327Gln)

Gene: CYP2U1 (cytochrome P450 family 2 subfamily U member 1; plus strand). Cytogenetic location: 4q25.
Variant type: single nucleotide variant.
Coding change: c.979G>C on transcript NM_183075.3 (MANE Select); coding-DNA position 979, G replaced by C.
Protein change: p.Glu327Gln; replaces glutamic acid 327 with glutamine.
Molecular consequence: missense variant.
Genome position (GRCh38, 1-based): chr4:107,945,458, G>C. VCF-style: chr4-107945458-G-C. GRCh37 (hg19) VCF-style: chr4-108866614-G-C.
Other names: short protein forms E327Q.
Identifiers: ClinVar variation 971906 (VCV000971906.8), dbSNP rs767970725, ClinGen allele CA3037087.
Genomic context (GRCh38, chr4:107,945,458, plus strand): 5'-GAGTCTCTGGATAGAGAGAACCCTCAGGACTTCATAGACATGTACCTTCTCCACATGGAA[G>C]AGGAGAGGAAAAATAATAGTAACAGCAGTTTTGATGAAGAGTACTTATTTTATATCATTG-3'
Protein context (NP_898898.1, residues 317-337): FIDMYLLHME[Glu327Gln]ERKNNSNSSF